The following is an entry in ClinVar:

NM_006612.6(KIF1C):c.1079C>A (p.Ala360Asp)

Gene: KIF1C (kinesin family member 1C; plus strand). Cytogenetic location: 17p13.2.
Variant type: single nucleotide variant.
Coding change: c.1079C>A on transcript NM_006612.6 (MANE Select); coding-DNA position 1079, C replaced by A.
Protein change: p.Ala360Asp; replaces alanine 360 with aspartic acid.
Molecular consequence: missense variant.
Genome position (GRCh38, 1-based): chr17:5,004,914, C>A. VCF-style: chr17-5004914-C-A. GRCh37 (hg19) VCF-style: chr17-4908209-C-A.
Other names: short protein forms A360D.
Identifiers: ClinVar variation 2741222 (VCV002741222.1), dbSNP rs921300827, ClinGen allele CA287214467.

ClinVar aggregate classification (germline): Uncertain significance (1 of 4 stars; one submission).

Conditions:
Spastic ataxia 2. Also called: Ataxia, spastic, 2, autosomal recessive. Identifiers: Orphanet 397946, MedGen C1969796, MONDO:0012651, OMIM 611302.

Allele frequency attached by ClinVar (database versions not stated): gnomAD 0.00002; gnomAD exomes 0.00002; TOPMed 0.00002.
gnomAD v4.1: 40 of 1,614,134 alleles (0.0025%); highest among the groups gnomAD compares: Non-Finnish European, 0.0032%; no homozygotes.

Submission:

Labcorp Genetics (formerly Invitae), Labcorp
Classification: Uncertain significance for Spastic ataxia 2. Last evaluated: 2023-02-22. Review status: criteria provided, single submitter. Criteria: Invitae Variant Classification Sherloc (09022015). Collection method: clinical testing. Allele origin: germline.
Comment: This sequence change replaces alanine, which is neutral and non-polar, with aspartic acid, which is acidic and polar, at codon 360 of the KIF1C protein (p.Ala360Asp). This variant is present in population databases (no rsID available, gnomAD 0.0009%). This variant has not been reported in the literature in individuals affected with KIF1C-related conditions. Advanced modeling of protein sequence and biophysical properties (such as structural, functional, and spatial information, amino acid conservation, physicochemical variation, residue mobility, and thermodynamic stability) performed at Invitae indicates that this missense variant is not expected to disrupt KIF1C protein function. In summary, the available evidence is currently insufficient to determine the role of this variant in disease. Therefore, it has been classified as a Variant of Uncertain Significance.